The following is an entry in ClinVar:

NM_014956.5(CEP164):c.1397G>C (p.Gly466Ala)

Gene: CEP164 (centrosomal protein 164; plus strand). Cytogenetic location: 11q23.3.
Variant type: single nucleotide variant.
Coding change: c.1397G>C on transcript NM_014956.5 (MANE Select); coding-DNA position 1397, G replaced by C.
Protein change: p.Gly466Ala; replaces glycine 466 with alanine.
Molecular consequence: missense variant.
Genome position (GRCh38, 1-based): chr11:117,380,693, G>C. VCF-style: chr11-117380693-G-C. GRCh37 (hg19) VCF-style: chr11-117251409-G-C.
Other names: c.1397G>C, p.Gly466Ala (NM_001271933.2); short protein forms G466A.
Identifiers: ClinVar variation 1411699 (VCV001411699.6), dbSNP rs2136118190, ClinGen allele CA382741792.
Genomic context (GRCh38, chr11:117,380,693, plus strand): 5'-TAGAAGACAAGGATGACAGCCAGTCCAGCCAAGATGAGCTGCAGAGCAAGCAGTCCAAAG[G>C]CCTGGAGGAGAGGTACCATAGGTGGGAGGCTATCCCCAGCGCTGTGCCTTCAGGGTGGTG-3'
Protein context (NP_055771.4, residues 456-476): QDELQSKQSK[Gly466Ala]LEERLSPPLP

ClinVar aggregate classification (germline): Uncertain significance (1 of 4 stars; one submission).

Conditions:
Nephronophthisis 15 (NPHP15). Identifiers: Orphanet 3156, MedGen C3541853, MONDO:0013917, OMIM 614845.

Submission:

Labcorp Genetics (formerly Invitae), Labcorp
Classification: Uncertain significance for Nephronophthisis 15. Last evaluated: 2023-11-13. Review status: criteria provided, single submitter. Criteria: Invitae Variant Classification Sherloc (09022015). Collection method: clinical testing. Allele origin: germline.
Comment: This sequence change replaces glycine, which is neutral and non-polar, with alanine, which is neutral and non-polar, at codon 466 of the CEP164 protein (p.Gly466Ala). This variant is not present in population databases (gnomAD no frequency). This variant has not been reported in the literature in individuals affected with CEP164-related conditions. ClinVar contains an entry for this variant (Variation ID: 1411699). Algorithms developed to predict the effect of missense changes on protein structure and function output the following: SIFT: "Not Available"; PolyPhen-2: "Benign"; Align-GVGD: "Not Available". The alanine amino acid residue is found in multiple mammalian species, which suggests that this missense change does not adversely affect protein function. In summary, the available evidence is currently insufficient to determine the role of this variant in disease. Therefore, it has been classified as a Variant of Uncertain Significance.